The following is an entry in ClinVar:

NM_001113378.2(FANCI):c.497C>G (p.Ser166Cys)

Gene: FANCI (FA complementation group I; plus strand). Cytogenetic location: 15q26.1.
Variant type: single nucleotide variant.
Coding change: c.497C>G on transcript NM_001113378.2 (MANE Select); coding-DNA position 497, C replaced by G.
Protein change: p.Ser166Cys; replaces serine 166 with cysteine.
Molecular consequence: missense variant.
Genome position (GRCh38, 1-based): chr15:89,261,872, C>G. VCF-style: chr15-89261872-C-G. GRCh37 (hg19) VCF-style: chr15-89805103-C-G.
Other names: c.218C>G, p.Ser73Cys (NM_001376910.1); c.497C>G, p.Ser166Cys (NM_001376911.1, NM_018193.3); short protein forms S166C, S73C.
Identifiers: ClinVar variation 1438361 (VCV001438361.5), dbSNP rs745789593, ClinGen allele CA7722641.

ClinVar aggregate classification (germline): Uncertain significance (1 of 4 stars; one submission).

Conditions:
Fanconi anemia (FA). Also called: Fanconi's anemia. Identifiers: Orphanet 84, MedGen C0015625, MeSH D005199, MONDO:0019391.

Allele frequency attached by ClinVar (database versions not stated): gnomAD 0.00001; TOPMed 0.00003.
gnomAD v4.1: 6 of 1,613,798 alleles (0.00037%); highest among the groups gnomAD compares: African/African-American, 0.0013%; no homozygotes.

Submission:

Labcorp Genetics (formerly Invitae), Labcorp
Classification: Uncertain significance for Fanconi anemia. Last evaluated: 2022-02-25. Review status: criteria provided, single submitter. Criteria: Invitae Variant Classification Sherloc (09022015). Collection method: clinical testing. Allele origin: germline.
Comment: In summary, the available evidence is currently insufficient to determine the role of this variant in disease. Therefore, it has been classified as a Variant of Uncertain Significance. Algorithms developed to predict the effect of missense changes on protein structure and function are either unavailable or do not agree on the potential impact of this missense change (SIFT: "Deleterious"; PolyPhen-2: "Probably Damaging"; Align-GVGD: "Class C0"). This variant has not been reported in the literature in individuals affected with FANCI-related conditions. This variant is present in population databases (rs745789593, gnomAD 0.002%). This sequence change replaces serine, which is neutral and polar, with cysteine, which is neutral and slightly polar, at codon 166 of the FANCI protein (p.Ser166Cys).